The following is an entry in ClinVar:

ClinVar aggregate classification (germline): Uncertain significance (1 of 4 stars; one submission).

Conditions:
Inborn genetic diseases. Identifiers: MedGen C0950123, MeSH D030342.

Submission:

Ambry Genetics
Classification: Uncertain significance for Inborn genetic diseases. Last evaluated: 2026-07-09. Review status: criteria provided, single submitter. Criteria: Ambry Variant Classification Scheme 2023. Collection method: clinical testing. Allele origin: germline.
Comment: The p.T7P variant (also known as c.19A>C), located in coding exon 1 of the FANCM gene, results from an A to C substitution at nucleotide position 19. The threonine at codon 7 is replaced by proline, an amino acid with highly similar properties. This amino acid position is conserved. In addition, the in silico prediction for this alteration is inconclusive. Based on the available evidence, the clinical significance of this variant remains unclear.

NM_020937.4(FANCM):c.19A>C (p.Thr7Pro)

Gene: FANCM (FA complementation group M; plus strand). Cytogenetic location: 14q21.2.
Variant type: single nucleotide variant.
Coding change: c.19A>C on transcript NM_020937.4 (MANE Select); coding-DNA position 19, A replaced by C.
Protein change: p.Thr7Pro; replaces threonine 7 with proline.
Molecular consequence: missense variant.
Genome position (GRCh38, 1-based): chr14:45,136,050, A>C. VCF-style: chr14-45136050-A-C. GRCh37 (hg19) VCF-style: chr14-45605253-A-C.
Other names: c.19A>C, p.Thr7Pro (NM_001308133.2, NM_001308134.2); short protein forms T7P.
Identifiers: ClinVar variation 5036604 (VCV005036604.1).